The following is an entry in ClinVar:

ClinVar aggregate classification (germline): Pathogenic/Likely pathogenic. Review status: criteria provided, multiple submitters, no conflicts (2 of 4 stars). 3 submissions from 3 submitters: Pathogenic (2); Likely pathogenic (1). Last evaluated 2026-07-21.

Conditions:
Hereditary leiomyomatosis and renal cell cancer. Also called: Familial leiomyomatosis; LEIOMYOMA, MULTIPLE CUTANEOUS; Reed syndrome; Multiple cutaneous and uterine leiomyomatosis; Cutaneous leiomyomata with uterine leiomyomata; Leiomyoma, hereditary multiple, of skin. Identifiers: Orphanet 523, MedGen C1708350, MONDO:0007888, OMIM 150800, HP:0007437. Disease mechanism: loss of function.
Hereditary cancer-predisposing syndrome. Also called: Hereditary Cancer Syndrome; Hereditary neoplastic syndrome; Neoplastic Syndromes, Hereditary; Tumor predisposition. Identifiers: Orphanet 140162, MedGen C0027672, MeSH D009386, MONDO:0015356.

Submissions (3):

Myriad Genetics, Inc.
Classification: Pathogenic for Hereditary leiomyomatosis and renal cell cancer. Last evaluated: 2026-07-21. Review status: criteria provided, single submitter. Criteria: Myriad Autosomal Dominant, Autosomal Recessive and X-Linked Classification Criteria (2023). Collection method: clinical testing. Allele origin: unknown.
Comment: This variant is considered pathogenic. This variant has been reported in multiple individuals with clinical features of gene-specific disease [PMID: 38642139, 32420185, 37580017, 32829387, 34439371]. This variant is expected to disrupt protein structure [Myriad internal data].

Ambry Genetics
Classification: Pathogenic for Hereditary cancer-predisposing syndrome. Last evaluated: 2024-05-07. Review status: criteria provided, single submitter. Criteria: Ambry Variant Classification Scheme 2023. Collection method: clinical testing. Allele origin: germline.
Comment: The p.S419L variant (also known as c.1256C>T), located in coding exon 9 of the FH gene, results from a C to T substitution at nucleotide position 1256. The serine at codon 419 is replaced by leucine, an amino acid with dissimilar properties. This variant has been observed in multiple individuals with features consistent with hereditary leiomyomatosis and renal cell cancer (Feng D et al. Transl Androl Urol, 2020 Apr;9:789-793; &Auml;yr&auml;v&auml;inen A et al. Hum Reprod, 2020 Oct;35:2237-2244; Sarkadi B et al. Cancers (Basel), 2021 Aug;13; Yin X et al. Virchows Arch, 2024 Apr; Ambry internal data). This amino acid position is highly conserved in available vertebrate species. In addition, this alteration is predicted to be deleterious by in silico analysis. This variant is considered to be rare based on population cohorts in the Genome Aggregation Database (gnomAD). Based on the supporting evidence, this variant is interpreted as a disease-causing mutation.

Labcorp Genetics (formerly Invitae), Labcorp
Classification: Likely pathogenic. Last evaluated: 2023-03-10. Review status: criteria provided, single submitter. Criteria: Invitae Variant Classification Sherloc (09022015). Collection method: clinical testing. Allele origin: germline.
Comment: This variant has not been reported in the literature in individuals affected with FH-related conditions. This variant is not present in population databases (gnomAD no frequency). This sequence change replaces serine, which is neutral and polar, with leucine, which is neutral and non-polar, at codon 419 of the FH protein (p.Ser419Leu). ClinVar contains an entry for this variant (Variation ID: 429183). In summary, the currently available evidence indicates that the variant is pathogenic, but additional data are needed to prove that conclusively. Therefore, this variant has been classified as Likely Pathogenic. This variant disrupts the p.Ser419 amino acid residue in FH. Other variant(s) that disrupt this residue have been determined to be pathogenic (PMID: 15937070, 16597677; Invitae). This suggests that this residue is clinically significant, and that variants that disrupt this residue are likely to be disease-causing. Advanced modeling of protein sequence and biophysical properties (such as structural, functional, and spatial information, amino acid conservation, physicochemical variation, residue mobility, and thermodynamic stability) performed at Invitae indicates that this missense variant is expected to disrupt FH protein function.

Literature cited by the submitters: PubMed 38642139 (cited by Myriad Genetics, Inc. and Ambry Genetics); PubMed 32420185 (cited by Myriad Genetics, Inc. and Ambry Genetics); PubMed 37580017 (cited by Myriad Genetics, Inc.); PubMed 32829387 (cited by Myriad Genetics, Inc. and Ambry Genetics); PubMed 34439371 (cited by Myriad Genetics, Inc. and Ambry Genetics); PubMed 15937070 (cited by Labcorp Genetics (formerly Invitae), Labcorp); PubMed 16597677 (cited by Labcorp Genetics (formerly Invitae), Labcorp).

NM_000143.4(FH):c.1256C>T (p.Ser419Leu)

Gene: FH (fumarate hydratase; minus strand). Cytogenetic location: 1q43.
Variant type: single nucleotide variant.
Coding change: c.1256C>T on transcript NM_000143.4 (MANE Select); coding-DNA position 1256, C replaced by T.
Protein change: p.Ser419Leu; replaces serine 419 with leucine.
Molecular consequence: missense variant.
Genome position (GRCh38, 1-based): chr1:241,500,571, G>A on the plus strand (C>T on the coding strand, the complement: FH is on the minus strand). VCF-style: chr1-241500571-G-A. GRCh37 (hg19) VCF-style: chr1-241663871-G-A.
Other names: short protein forms S419L.
Identifiers: ClinVar variation 429183 (VCV000429183.15), dbSNP rs1131691244, ClinGen allele CA345436872.
Genomic context (GRCh38, chr1:241,500,571, plus strand): 5'-TGGATTCCCACCACGCAGTTTTCTGTAAAGGAAACTGAAGCATCCCCCAGCAGCCTGGCT[G>A]AGTGTAACACATTTTTAATCTTTGAGTGAGTGAGAGAGAGAGAGAGAGAGAGAGAGAGAG-3'
Protein context (NP_000134.2, residues 409-429): KPMMIKNVLH[Ser419Leu]ARLLGDASVS